The following is an entry in ClinVar:

NC_000013.10:g.(?_111315778)_(111315885_?)del

Gene: CARS2 (cysteinyl-tRNA synthetase 2, mitochondrial; minus strand). Cytogenetic location: 13q34.
Variant type: Deletion.
Identifiers: ClinVar variation 1412415 (VCV001412415.4).

ClinVar aggregate classification (germline): Uncertain significance (1 of 4 stars; one submission).

Conditions:
Combined oxidative phosphorylation defect type 27. Also called: Combined oxidative phosphorylation deficiency 27. Identifiers: Orphanet 477774, MedGen C5567608, MONDO:0014728, OMIM 616672.

Submission:

Labcorp Genetics (formerly Invitae), Labcorp
Classification: Uncertain significance for Combined oxidative phosphorylation defect type 27. Last evaluated: 2022-02-09. Review status: criteria provided, single submitter. Criteria: Invitae Variant Classification Sherloc (09022015). Collection method: clinical testing. Allele origin: germline.
Comment: This variant is a gross deletion of the genomic region encompassing exon(s) 9 of the CARS2 gene. This deletion is out-of-frame, and is expected to create a premature translational stop signal and result in an absent or disrupted protein product. However, the current clinical and genetic evidence is not sufficient to establish whether loss-of-function variants in CARS2 cause disease. This variant has not been reported in the literature in individuals affected with CARS2-related conditions. In summary, the available evidence is currently insufficient to determine the role of this variant in disease. Therefore, it has been classified as a Variant of Uncertain Significance.